The following is an entry in ClinVar:

ClinVar aggregate classification (germline): Benign/Likely benign. Review status: criteria provided, multiple submitters, no conflicts (2 of 4 stars). 3 submissions from 3 submitters: Benign (1); Likely benign (2). Last evaluated 2026-07-02.

Conditions:
Sessile serrated polyposis cancer syndrome (SSPCS). Identifiers: Orphanet 157798, MedGen C4310714, MONDO:0014919, OMIM 617108.

Allele frequency attached by ClinVar (database versions not stated): gnomAD 0.00001; gnomAD exomes 0.00001; TOPMed 0.00002.
gnomAD v4.1: 18 of 1,614,092 alleles (0.0011%); highest among the groups gnomAD compares: African/African-American, 0.0013%; no homozygotes.

Submissions (3):

Myriad Genetics, Inc.
Classification: Benign for Sessile serrated polyposis cancer syndrome. Last evaluated: 2026-07-02. Review status: criteria provided, single submitter. Criteria: Myriad Autosomal Dominant, Autosomal Recessive and X-Linked Classification Criteria (2023). Collection method: clinical testing. Allele origin: unknown.
Comment: This variant is considered benign. This variant is a silent/synonymous amino acid change and it is not expected to impact splicing.

Ambry Genetics
Classification: Likely benign. Last evaluated: 2024-11-18. Review status: criteria provided, single submitter. Criteria: Ambry Variant Classification Scheme 2023. Collection method: clinical testing. Allele origin: germline.

Labcorp Genetics (formerly Invitae), Labcorp
Classification: Likely benign. Last evaluated: 2023-04-06. Review status: criteria provided, single submitter. Criteria: Invitae Variant Classification Sherloc (09022015). Collection method: clinical testing. Allele origin: germline.

NM_017763.6(RNF43):c.2205G>T (p.Leu735=)

Gene: RNF43 (ring finger protein 43; minus strand). Cytogenetic location: 17q22.
Variant type: single nucleotide variant.
Coding change: c.2205G>T on transcript NM_017763.6 (MANE Select); coding-DNA position 2205, G replaced by T.
Protein change: p.Leu735=; no amino-acid change (leucine 735 retained).
Molecular consequence: synonymous variant.
Genome position (GRCh38, 1-based): chr17:58,357,571, C>A on the plus strand (G>T on the coding strand, the complement: RNF43 is on the minus strand). VCF-style: chr17-58357571-C-A. GRCh37 (hg19) VCF-style: chr17-56434932-C-A.
Other names: c.2205G>T, p.Leu735= (NM_001305544.3); c.1824G>T, p.Leu608= (NM_001305545.2).
Identifiers: ClinVar variation 1134508 (VCV001134508.11), dbSNP rs1420399794, ClinGen allele CA501320661.
Genomic context (GRCh38, chr17:58,357,571, plus strand): 5'-CCTGCCCTCTGCGGTGTCAGAACTCCATTCAGAAGGCCCCTCCCCAGGTGGATGTGGTTC[C>A]AGGGGCTGGCGAGGAGTCAGGCACAACCACACTGGCTGTGAATTTGAGTAACAGGGGCCT-3'
Protein context (NP_060233.3, residues 725-745): VWLCLTPRQP[Leu735=]EPHPPGEGPS